The following is an entry in ClinVar:

ClinVar aggregate classification (germline): Conflicting classifications of pathogenicity. Review status: criteria provided, conflicting classifications (1 of 4 stars). 5 submissions from 3 submitters: Uncertain significance (4); Likely benign (1). Last evaluated 2026-01-19.

Conditions:
Factor V deficiency. Also called: Reduced coagulation factor V activity. Identifiers: Orphanet 326, MedGen C4317320, MONDO:0020586, HP:0003225.
Thrombophilia due to thrombin defect (THPH1). Also called: Thrombosis susceptibility; THROMBOPHILIA DUE TO FACTOR 2 DEFECT; Prothrombin-Related Thrombophilia (Factor II); Prothrombin Thrombophilia. Identifiers: MedGen C3160733, MONDO:0008559, OMIM 188050. Disease mechanism: gain of function, loss of function.
Congenital factor V deficiency. Also called: Hereditary factor V deficiency disease; LABILE FACTOR DEFICIENCY; PARAHEMOPHILIA; OWREN PARAHEMOPHILIA. Identifiers: Orphanet 326, MedGen C0015499, MONDO:0009210, OMIM 227400.
Budd-Chiari syndrome (BDCHS). Also called: Hepatic vein obstruction. Identifiers: Orphanet 131, MedGen C0856761, MONDO:0010947, OMIM 600880, HP:0002639.

Allele frequency attached by ClinVar (database versions not stated): gnomAD exomes 0.00004 and 0.00008; ExAC 0.00014; gnomAD 0.00035 and 0.00036; TOPMed 0.00037; ESP Exome Variant Server 0.00069; 1000 Genomes Project 0.00080; 1000 Genomes Project 30x 0.00094.
gnomAD v4.1: 113 of 1,612,868 alleles (0.007%); highest among the groups gnomAD compares: African/African-American, 0.14%; no homozygotes.

Submissions (5):

Labcorp Genetics (formerly Invitae), Labcorp
Classification: Likely benign for Congenital factor V deficiency. Last evaluated: 2026-01-19. Review status: criteria provided, single submitter. Criteria: Invitae Variant Classification Sherloc (09022015). Collection method: clinical testing. Allele origin: germline.

GeneDx
Classification: Uncertain significance. Last evaluated: 2025-05-04. Review status: criteria provided, single submitter. Criteria: GeneDx Variant Classification Process June 2021. Collection method: clinical testing. Allele origin: germline. Affected: yes.
Comment: Reported in a patient with language impairment who also harbored variants in several other genes (PMID: 28440294); In silico analysis supports that this missense variant has a deleterious effect on protein structure/function; This variant is associated with the following publications: (PMID: 28440294)

Illumina Laboratory Services, Illumina
Classification: Uncertain significance for Venous thrombosis. Last evaluated: 2018-01-12. Review status: criteria provided, single submitter. Criteria: ICSL Variant Classification Criteria 13 December 2019. Collection method: clinical testing. Allele origin: germline.

Illumina Laboratory Services, Illumina
Classification: Uncertain significance for Congenital factor V deficiency. Last evaluated: 2018-01-12. Review status: criteria provided, single submitter. Criteria: ICSL Variant Classification Criteria 13 December 2019. Collection method: clinical testing. Allele origin: germline.

Illumina Laboratory Services, Illumina
Classification: Uncertain significance for Budd-Chiari syndrome. Last evaluated: 2018-01-12. Review status: criteria provided, single submitter. Criteria: ICSL Variant Classification Criteria 13 December 2019. Collection method: clinical testing. Allele origin: germline.

NM_000130.5(F5):c.4835A>T (p.Asp1612Val)

Gene: F5 (coagulation factor V; minus strand). Cytogenetic location: 1q24.2.
Variant type: single nucleotide variant.
Coding change: c.4835A>T on transcript NM_000130.5 (MANE Select); coding-DNA position 4835, A replaced by T.
Protein change: p.Asp1612Val; replaces aspartic acid 1612 with valine.
Molecular consequence: missense variant.
Genome position (GRCh38, 1-based): chr1:169,536,642, T>A on the plus strand (A>T on the coding strand, the complement: F5 is on the minus strand). VCF-style: chr1-169536642-T-A. GRCh37 (hg19) VCF-style: chr1-169505880-T-A.
Other names: short protein forms D1612V.
Identifiers: ClinVar variation 293594 (VCV000293594.10), dbSNP rs141589936, ClinGen allele CA1233629.
Genomic context (GRCh38, chr1:169,536,642, plus strand): 5'-TCACGTTTGGTAAAAGTGCTGTCGAGGTACTTTCGAAAAACTACTTTCTTATATGTGGTA[T>A]CTTCTGGAATATCATCAGAGTCTTCAATATCTGTTTCCCTGAAATAATAATACTATTTGT-3'
Protein context (NP_000121.2, residues 1602-1622): DIEDSDDIPE[Asp1612Val]TTYKKVVFRK